The following is an entry in ClinVar:

ClinVar aggregate classification (germline): Uncertain significance. Review status: criteria provided, multiple submitters, no conflicts (2 of 4 stars). 2 submissions from 2 submitters: Uncertain significance (2). Last evaluated 2024-06-09.

Conditions:
Inborn genetic diseases. Identifiers: MedGen C0950123, MeSH D030342.

Submissions (2):

Labcorp Genetics (formerly Invitae), Labcorp
Classification: Uncertain significance. Last evaluated: 2024-06-09. Review status: criteria provided, single submitter. Criteria: Invitae Variant Classification Sherloc (09022015). Collection method: clinical testing. Allele origin: germline.
Comment: This sequence change replaces valine, which is neutral and non-polar, with alanine, which is neutral and non-polar, at codon 1548 of the ATR protein (p.Val1548Ala). This variant is not present in population databases (gnomAD no frequency). This variant has not been reported in the literature in individuals affected with ATR-related conditions. ClinVar contains an entry for this variant (Variation ID: 1742132). An algorithm developed to predict the effect of missense changes on protein structure and function (PolyPhen-2) suggests that this variant is likely to be tolerated. In summary, the available evidence is currently insufficient to determine the role of this variant in disease. Therefore, it has been classified as a Variant of Uncertain Significance.

Ambry Genetics
Classification: Uncertain significance for Inborn genetic diseases. Last evaluated: 2022-02-22. Review status: criteria provided, single submitter. Criteria: Ambry Variant Classification Scheme 2023. Collection method: clinical testing. Allele origin: germline.
Comment: The p.V1548A variant (also known as c.4643T>C), located in coding exon 27 of the ATR gene, results from a T to C substitution at nucleotide position 4643. The valine at codon 1548 is replaced by alanine, an amino acid with similar properties. This amino acid position is conserved. In addition, the in silico prediction for this alteration is inconclusive. Since supporting evidence is limited at this time, the clinical significance of this alteration remains unclear.

NM_001184.4(ATR):c.4643T>C (p.Val1548Ala)

Gene: ATR (ATR checkpoint kinase; minus strand). Cytogenetic location: 3q23.
Variant type: single nucleotide variant.
Coding change: c.4643T>C on transcript NM_001184.4 (MANE Select); coding-DNA position 4643, T replaced by C.
Protein change: p.Val1548Ala; replaces valine 1548 with alanine.
Molecular consequence: missense variant.
Genome position (GRCh38, 1-based): chr3:142,512,469, A>G on the plus strand (T>C on the coding strand, the complement: ATR is on the minus strand). VCF-style: chr3-142512469-A-G. GRCh37 (hg19) VCF-style: chr3-142231311-A-G.
Other names: c.4451T>C, p.Val1484Ala (NM_001354579.2); short protein forms V1484A, V1548A.
Identifiers: ClinVar variation 1742132 (VCV001742132.4), dbSNP rs2108372710, ClinGen allele CA354795992.